The following is an entry in ClinVar:

ClinVar aggregate classification (germline): Conflicting classifications of pathogenicity. Review status: criteria provided, conflicting classifications (1 of 4 stars). 2 submissions from 2 submitters: Uncertain significance (1); Likely benign (1). Last evaluated 2025-09-24.

Conditions:
Long QT syndrome (LQTS). Identifiers: MedGen C0023976, MeSH D008133, MONDO:0002442. Disease mechanism: loss of function. Inheritance: Various modes of inheritance.
Cardiovascular phenotype. Identifiers: MedGen CN230736.

Allele frequency attached by ClinVar (database versions not stated): gnomAD 0.00001; gnomAD exomes 0.00001; ExAC 0.00004.
gnomAD v4.1: 11 of 1,557,392 alleles (0.00071%); highest among the groups gnomAD compares: South Asian, 0.0024%; no homozygotes.

Submissions (2):

Labcorp Genetics (formerly Invitae), Labcorp
Classification: Likely benign for Long QT syndrome. Last evaluated: 2025-09-24. Review status: criteria provided, single submitter. Criteria: Invitae Variant Classification Sherloc (09022015). Collection method: clinical testing. Allele origin: germline.

Ambry Genetics
Classification: Uncertain significance for Cardiovascular phenotype. Last evaluated: 2017-12-14. Review status: criteria provided, single submitter. Criteria: Ambry Variant Classification Scheme 2023. Collection method: clinical testing. Allele origin: germline.
Comment: The p.N1814S variant (also known as c.5441A>G), located in coding exon 42 of the CACNA1C gene, results from an A to G substitution at nucleotide position 5441. The asparagine at codon 1814 is replaced by serine, an amino acid with highly similar properties. This amino acid position is poorly conserved in available vertebrate species, and serine is the reference amino acid in other vertebrate species. In addition, this alteration is predicted to be tolerated by in silico analysis. Since supporting evidence is limited at this time, the clinical significance of this alteration remains unclear.

NM_000719.7(CACNA1C):c.5441A>G (p.Asn1814Ser)

Genes: CACNA1C (calcium voltage-gated channel subunit alpha1 C; plus strand), CACNA1C-AS1 (CACNA1C antisense RNA 1; minus strand). Cytogenetic location: 12p13.33.
Variant type: single nucleotide variant.
Coding change: c.5441A>G on transcript NM_000719.7 (MANE Select); coding-DNA position 5441, A replaced by G.
Protein change: p.Asn1814Ser; replaces asparagine 1814 with serine.
Molecular consequence: missense variant.
Genome position (GRCh38, 1-based): chr12:2,679,793, A>G. VCF-style: chr12-2679793-A-G. GRCh37 (hg19) VCF-style: chr12-2788959-A-G.
Other names: c.5585A>G, p.Asn1862Ser (NM_001129827.2, NM_199460.4); c.5564A>G, p.Asn1855Ser (NM_001129829.2); c.5441A>G, p.Asn1814Ser (NM_001129830.3, NM_001129840.2, NM_001129841.2 and 4 more transcripts); c.5525A>G, p.Asn1842Ser (NM_001129831.2); c.5501A>G, p.Asn1834Ser (NM_001129832.2); c.5498A>G, p.Asn1833Ser (NM_001129833.2, NM_001129834.2, NM_001129835.2); c.5492A>G, p.Asn1831Ser (NM_001129836.2); c.5465A>G, p.Asn1822Ser (NM_001129837.2, NM_001129838.2); and 3 more; short protein forms N1814S, N1862S, N1811S, N1831S, N1820S, N1822S, N1833S, N1803S.
Identifiers: ClinVar variation 519549 (VCV000519549.13), dbSNP rs780210232, ClinGen allele CA6389782.